The following is an entry in ClinVar:

NM_004564.3(GATB):c.515G>T (p.Gly172Val)

Gene: GATB (glutamyl-tRNA amidotransferase subunit B; minus strand). Cytogenetic location: 4q31.3.
Variant type: single nucleotide variant.
Coding change: c.515G>T on transcript NM_004564.3 (MANE Select); coding-DNA position 515, G replaced by T.
Protein change: p.Gly172Val; replaces glycine 172 with valine.
Molecular consequence: missense variant.
Genome position (GRCh38, 1-based): chr4:151,717,001, C>A on the plus strand (G>T on the coding strand, the complement: GATB is on the minus strand). VCF-style: chr4-151717001-C-A. GRCh37 (hg19) VCF-style: chr4-152638153-C-A.
Other names: c.515G>T, p.Gly172Val (NM_001363341.2); short protein forms G172V.
Identifiers: ClinVar variation 3045493 (VCV003045493.3), dbSNP rs114812418, ClinGen allele CA3105894.

ClinVar aggregate classification (germline): Uncertain significance. Review status: criteria provided, single submitter (1 of 4 stars). 2 submissions from 2 submitters: Uncertain significance (1). 1 of the submissions does not count toward it. Last evaluated 2025-08-02.

Conditions:
GATB-related disorder. Also called: GATB-related condition.

Allele frequency attached by ClinVar (database versions not stated): 1000 Genomes Project 0.00140; 1000 Genomes Project 30x 0.00141; ESP Exome Variant Server 0.00154; gnomAD 0.00088; TOPMed 0.00096.
gnomAD v4.1: 269 of 1,614,126 alleles (0.017%); highest among the groups gnomAD compares: African/African-American, 0.33%; no homozygotes.

Submissions (2):

Ambry Genetics
Classification: Uncertain significance. Last evaluated: 2025-08-02. Review status: criteria provided, single submitter. Criteria: Ambry Variant Classification Scheme 2023. Collection method: clinical testing. Allele origin: germline.

PreventionGenetics, part of Exact Sciences
Classification: Likely benign for GATB-related condition. Last evaluated: 2024-02-06. Review status: no assertion criteria provided. Collection method: clinical testing. Allele origin: germline. Not counted in ClinVar's aggregate classification.
Comment: This variant is classified as likely benign based on ACMG/AMP sequence variant interpretation guidelines (Richards et al. 2015 PMID: 25741868, with internal and published modifications).